The following is an entry in ClinVar:

NM_018249.6(CDK5RAP2):c.2887C>T (p.Gln963Ter)

Gene: CDK5RAP2 (CDK5 regulatory subunit associated protein 2; minus strand). Cytogenetic location: 9q33.2.
Variant type: single nucleotide variant.
Coding change: c.2887C>T on transcript NM_018249.6 (MANE Select); coding-DNA position 2887, C replaced by T.
Protein change: p.Gln963Ter; replaces glutamine 963 with a stop codon.
Molecular consequence: nonsense. On other transcripts: non-coding transcript variant (5).
Genome position (GRCh38, 1-based): chr9:120,448,033, G>A on the plus strand (C>T on the coding strand, the complement: CDK5RAP2 is on the minus strand). VCF-style: chr9-120448033-G-A. GRCh37 (hg19) VCF-style: chr9-123210311-G-A.
Other names: p.Gln963Ter; c.2884C>T, p.Gln962Ter (NM_001410994.1); c.2887C>T, p.Gln963Ter (NM_001011649.3); c.2197C>T, p.Gln733Ter (NM_001272039.2); c.2788C>T, p.Gln930Ter (NM_001410992.1); c.2791C>T, p.Gln931Ter (NM_001410993.1); short protein forms Q733*, Q930*, Q931*, Q962*, Q963*.
Identifiers: ClinVar variation 3255584 (VCV003255584.2).

ClinVar aggregate classification (germline): Likely pathogenic (1 of 4 stars; one submission).

Conditions:
Microcephaly 3, primary, autosomal recessive. Identifiers: Orphanet 2512, MedGen C1858108, MONDO:0011488, OMIM 604804.

Submission:

Breakthrough Genomics
Classification: Likely pathogenic for Microcephaly 3, primary, autosomal recessive. Last evaluated: 2019-11-08. Review status: criteria provided, single submitter. Criteria: ACMG Guidelines, 2015. Collection method: clinical testing. Allele origin: germline. Affected: yes.
Comment: This variant is predicted to cause premature termination of the protein (p. Gln963Ter) and the truncated protein is likely to lack the EB1, SMC, CDK5R1, and pericentrin/CM2 Golgi domains of the protein [PMID: 23587236]; this will likely result in loss-of-function. The variant seems to be a novel variant, as it has not been previously reported in population databases or in the literature. Several other nonsense variants lying downstream of the variant, have been reported as pathogenic in the ClinVar database with respect to Primary autosomal recessive microcephaly 3.